The following is an entry in ClinVar:

ClinVar aggregate classification (germline): Benign/Likely benign. Review status: criteria provided, multiple submitters, no conflicts (2 of 4 stars). 5 submissions from 5 submitters: Benign (3); Likely benign (2). Last evaluated 2026-09-01.

Conditions:
Atypical glycine encephalopathy. Also called: Glycine encephalopathy with normal serum glycine. Identifiers: Orphanet 289863, MedGen C4310943, MONDO:0015010, OMIM 617301.
Inborn genetic diseases. Identifiers: MedGen C0950123, MeSH D030342.
SLC6A9-related disorder. Also called: SLC6A9-related condition.

Allele frequency attached by ClinVar (database versions not stated): ExAC 0.00107; ESP Exome Variant Server 0.00338; TOPMed 0.00344; 1000 Genomes Project 0.00459; 1000 Genomes Project 30x 0.00500.
gnomAD v4.1: 1,016 of 1,614,148 alleles (0.063%); highest among the groups gnomAD compares: African/African-American, 1.1%; 6 homozygotes.

Submissions (5):

CeGaT Center for Human Genetics Tuebingen
Classification: Likely benign. Last evaluated: 2026-09-01. Review status: criteria provided, single submitter. Criteria: CeGaT Center For Human Genetics Tuebingen Variant Classification Criteria Version 2. Collection method: clinical testing. Allele origin: germline. Affected: yes. Observed: 1 variant allele.
Comment: SLC6A9: BP4, BS1

PreventionGenetics, part of Exact Sciences
Classification: Benign for SLC6A9-related condition. Last evaluated: 2026-07-23. Review status: criteria provided, single submitter. Criteria: ACMG Guidelines, 2015. Collection method: clinical testing. Allele origin: germline.
Comment: This variant is classified as benign based on ACMG/AMP sequence variant interpretation guidelines (Richards et al. 2015 PMID: 25741868, with internal and published modifications).

Labcorp Genetics (formerly Invitae), Labcorp
Classification: Benign for Atypical glycine encephalopathy. Last evaluated: 2025-12-29. Review status: criteria provided, single submitter. Criteria: Invitae Variant Classification Sherloc (09022015). Collection method: clinical testing. Allele origin: germline.

Ambry Genetics
Classification: Likely benign for Inborn genetic diseases. Last evaluated: 2022-01-03. Review status: criteria provided, single submitter. Criteria: Ambry Variant Classification Scheme 2023. Collection method: clinical testing. Allele origin: germline.

Breakthrough Genomics
Classification: Benign. Review status: criteria provided, single submitter. Criteria: ACMG Guidelines, 2015. Collection method: not provided. Allele origin: germline. Inheritance: Autosomal recessive inheritance. Affected: yes.

NM_001024845.3(SLC6A9):c.472G>A (p.Gly158Ser)

Gene: SLC6A9 (solute carrier family 6 member 9; minus strand). Cytogenetic location: 1p34.1.
Variant type: single nucleotide variant.
Coding change: c.472G>A on transcript NM_001024845.3 (MANE Select); coding-DNA position 472, G replaced by A.
Protein change: p.Gly158Ser; replaces glycine 158 with serine.
Molecular consequence: missense variant. On other transcripts: non-coding transcript variant (1).
Genome position (GRCh38, 1-based): chr1:44,008,471, C>T on the plus strand (G>A on the coding strand, the complement: SLC6A9 is on the minus strand). VCF-style: chr1-44008471-C-T. GRCh37 (hg19) VCF-style: chr1-44474143-C-T.
Other names: c.484G>A, p.Gly162Ser (NM_001261380.2); c.139G>A, p.Gly47Ser (NM_001328626.2, NM_001328630.2); c.409G>A, p.Gly137Ser (NM_001328627.1); c.277G>A, p.Gly93Ser (NM_001328628.1); c.472G>A, p.Gly158Ser (NM_001328629.1); c.529G>A, p.Gly177Ser (NM_006934.4); c.691G>A, p.Gly231Ser (NM_201649.4); c.691G>A (NM_201649.2); short protein forms G137S, G162S, G231S, G47S, G93S, G158S, G177S.
Identifiers: ClinVar variation 791710 (VCV000791710.15), dbSNP rs61741712, ClinGen allele CA817792.
Genomic context (GRCh38, chr1:44,008,471, plus strand): 5'-GGTTGCTGGGCAAGGCGGCTGGCCGAGAGCCATTGGTGAGGTTGGAGGCGTCCAGTACAC[C>T]GGCGCAGTCATGCGTGTTCCAGGGGTTATTGCAGTAGGCCCAGGGCAGCACGTGCGTCAT-3'
Protein context (NP_001020016.1, residues 148-168): NNPWNTHDCA[Gly158Ser]VLDASNLTNG